The following is an entry in ClinVar:

ClinVar aggregate classification (germline): Likely benign (1 of 4 stars; one submission).

Submission:

CeGaT Center for Human Genetics Tuebingen
Classification: Likely benign. Last evaluated: 2023-12-01. Review status: criteria provided, single submitter. Criteria: CeGaT Center For Human Genetics Tuebingen Variant Classification Criteria Version 2. Collection method: clinical testing. Allele origin: germline. Affected: yes. Observed: 2 variant alleles.
Comment: HIVEP2: PM2:Supporting, BP4, BP7

NM_006734.4(HIVEP2):c.2667T>G (p.Pro889=)

Gene: HIVEP2 (HIVEP zinc finger 2; minus strand). Cytogenetic location: 6q24.2.
Variant type: single nucleotide variant.
Coding change: c.2667T>G on transcript NM_006734.4 (MANE Select); coding-DNA position 2667, T replaced by G.
Protein change: p.Pro889=; no amino-acid change (proline 889 retained).
Molecular consequence: synonymous variant.
Genome position (GRCh38, 1-based): chr6:142,772,072, A>C on the plus strand (T>G on the coding strand, the complement: HIVEP2 is on the minus strand). VCF-style: chr6-142772072-A-C. GRCh37 (hg19) VCF-style: chr6-143093209-A-C.
Identifiers: ClinVar variation 2571262 (VCV002571262.27), dbSNP rs2482837259, ClinGen allele CA452715710.